The following is an entry in ClinVar:

ClinVar aggregate classification (germline): Uncertain significance (1 of 4 stars; one submission).

Conditions:
Epileptic encephalopathy. Identifiers: MedGen C0543888, HP:0200134.

Submission:

Labcorp Genetics (formerly Invitae), Labcorp
Classification: Uncertain significance for Epileptic encephalopathy. Last evaluated: 2020-03-07. Review status: criteria provided, single submitter. Criteria: Invitae Variant Classification Sherloc (09022015). Collection method: clinical testing. Allele origin: germline.
Comment: In summary, the available evidence is currently insufficient to determine the role of this variant in disease. Therefore, it has been classified as a Variant of Uncertain Significance. This sequence change replaces serine with asparagine at codon 752 of the RYR3 protein (p.Ser752Asn). The serine residue is highly conserved and there is a small physicochemical difference between serine and asparagine. This variant is not present in population databases (ExAC no frequency). This variant has not been reported in the literature in individuals with RYR3-related disease. Algorithms developed to predict the effect of missense changes on protein structure and function (SIFT, PolyPhen-2, Align-GVGD) all suggest that this variant is likely to be disruptive, but these predictions have not been confirmed by published functional studies and their clinical significance is uncertain.

NM_001036.6(RYR3):c.2255G>A (p.Ser752Asn)

Gene: RYR3 (ryanodine receptor 3; plus strand). Cytogenetic location: 15q14.
Variant type: single nucleotide variant.
Coding change: c.2255G>A on transcript NM_001036.6 (MANE Select); coding-DNA position 2255, G replaced by A.
Protein change: p.Ser752Asn; replaces serine 752 with asparagine.
Molecular consequence: missense variant.
Genome position (GRCh38, 1-based): chr15:33,613,273, G>A. VCF-style: chr15-33613273-G-A. GRCh37 (hg19) VCF-style: chr15-33905474-G-A.
Other names: c.2255G>A, p.Ser752Asn (NM_001243996.4); short protein forms S752N.
Identifiers: ClinVar variation 1037222 (VCV001037222.8), dbSNP rs2060285743, ClinGen allele CA391565396.
Genomic context (GRCh38, chr15:33,613,273, plus strand): 5'-ACCAGCACCTCCTGAGATCGGATGACGTGGTAAGCTGCTGCCTGGACCTCGGGGTGCCCA[G>A]CATCTCATTCCGCATCAATGGGCAGCCCGTGCAGGGGATGTTTGAGAACTTCAACACAGA-3'
Protein context (NP_001027.3, residues 742-762): VSCCLDLGVP[Ser752Asn]ISFRINGQPV